The following is an entry in ClinVar:

ClinVar aggregate classification (germline): Pathogenic (1 of 4 stars; one submission).

Submission:

GeneDx
Classification: Pathogenic. Last evaluated: 2015-08-04. Review status: criteria provided, single submitter. Criteria: GeneDx Variant Classification (06012015). Collection method: clinical testing. Allele origin: germline. Affected: yes.
Comment: The c.2510-1_2523del15 splice site variant in the COL4A5 gene destroys the canonical splice acceptor site in intron 30. It is predicted to cause abnormal gene splicing, either leading to an abnormal message that is subject to nonsense-mediated mRNA decay, or to an abnormal protein product if the message is used for protein translation. Therefore, we interpret this variant as pathogenic.

NM_033380.3(COL4A5):c.2510-1_2523del

Gene: COL4A5 (collagen type IV alpha 5 chain; plus strand). Cytogenetic location: Xq22.3.
Variant type: Deletion.
Coding change: c.2510-1_2523del on transcript NM_033380.3 (MANE Select); the canonical splice acceptor site of the intron before coding-DNA position 2510 through coding-DNA position 2523, 15 bases deleted (GGTTTACATGGAATA).
Molecular consequence: splice acceptor variant.
Genome position (GRCh38, 1-based): chrX:108,620,258-108,620,272, GGTTTACATGGAATA deleted; deleting any 15 consecutive bases within chrX:108,620,256-108,620,272 gives the same sequence; the c. name uses the placement nearest the transcript's 3' end. VCF-style (leftmost placement, unchanged base first): chrX-108620255-CTAGGTTTACATGGAA-C. GRCh37 (hg19) VCF-style: chrX-107863485-CTAGGTTTACATGGAA-C.
Other names: c.2510-1_2523del (NM_000495.5); c.2510-1_2523delGGTTTACATGGAATA (NM_033380.1).
Identifiers: ClinVar variation 419666 (VCV000419666.2), dbSNP rs1064794029, ClinGen allele CA16621172.